The following is an entry in ClinVar:

NM_002439.5(MSH3):c.1817G>A (p.Ser606Asn)

Gene: MSH3 (mutS homolog 3; plus strand). Cytogenetic location: 5q14.1.
Variant type: single nucleotide variant.
Coding change: c.1817G>A on transcript NM_002439.5 (MANE Select); coding-DNA position 1817, G replaced by A.
Protein change: p.Ser606Asn; replaces serine 606 with asparagine.
Molecular consequence: missense variant.
Genome position (GRCh38, 1-based): chr5:80,761,599, G>A. VCF-style: chr5-80761599-G-A. GRCh37 (hg19) VCF-style: chr5-80057418-G-A.
Other names: short protein forms S606N.
Identifiers: ClinVar variation 653988 (VCV000653988.17), dbSNP rs34168832, ClinGen allele CA3328056.

ClinVar aggregate classification (germline): Uncertain significance. Review status: criteria provided, multiple submitters, no conflicts (2 of 4 stars). 7 submissions from 7 submitters: Uncertain significance (6). 1 of the submissions does not count toward it. Last evaluated 2026-02-11.

Conditions:
MSH3-related disorder. Also called: MSH3-related condition.
Endometrial carcinoma. Also called: Endometrial carcinoma, somatic. Identifiers: MedGen C0476089, MONDO:0002447, OMIM 608089, HP:0012114.
Hereditary cancer-predisposing syndrome. Also called: Neoplastic Syndromes, Hereditary; Tumor predisposition; Hereditary Cancer Syndrome; Hereditary neoplastic syndrome. Identifiers: Orphanet 140162, MedGen C0027672, MeSH D009386, MONDO:0015356.
Familial adenomatous polyposis 4 (FAP4). Also called: MSH3-related attenuated familial adenomatous polyposis. Identifiers: Orphanet 480536, MedGen C4310719, MONDO:0044300, OMIM 617100.

Allele frequency attached by ClinVar (database versions not stated): gnomAD exomes 0.00001 and 0.00004; ExAC 0.00003; gnomAD 0.00005 and 0.00007; TOPMed 0.00005; ESP Exome Variant Server 0.00008.
gnomAD v4.1: 35 of 1,614,130 alleles (0.0022%); highest among the groups gnomAD compares: African/African-American, 0.032%; 1 homozygote.

Submissions (7):

St. Jude Molecular Pathology, St. Jude Children's Research Hospital
Classification: Uncertain significance for Familial adenomatous polyposis 4. Last evaluated: 2026-02-11. Review status: criteria provided, single submitter. Criteria: St. Jude Assertion Criteria 2020. Collection method: clinical testing. Allele origin: germline.
Comment: The MSH3 c.1817G>A p.(Ser606Asn) missense change has a maximum subpopulation frequency of 0.02% in gnomAD v2.1.1. The in silico tool REVEL is inconclusive about a pathogenic or benign effect of this variant on protein function, and to our knowledge functional studies have not been performed. To our knowledge, this variant has not been reported in individuals with MSH3-associated polyposis syndrome. In summary, the evidence currently available is insufficient to determine the clinical significance of this variant. It has therefore been classified as of uncertain significance.

Labcorp Genetics (formerly Invitae), Labcorp
Classification: Uncertain significance. Last evaluated: 2026-01-25. Review status: criteria provided, single submitter. Criteria: Invitae Variant Classification Sherloc (09022015). Collection method: clinical testing. Allele origin: germline.
Comment: This sequence change replaces serine, which is neutral and polar, with asparagine, which is neutral and polar, at codon 606 of the MSH3 protein (p.Ser606Asn). This variant is present in population databases (rs34168832, gnomAD 0.02%). This variant has not been reported in the literature in individuals affected with MSH3-related conditions. ClinVar contains an entry for this variant (Variation ID: 653988). An algorithm developed to predict the effect of missense changes on protein structure and function (PolyPhen-2) suggests that this variant is likely to be tolerated. In summary, the available evidence is currently insufficient to determine the role of this variant in disease. Therefore, it has been classified as a Variant of Uncertain Significance.

Ambry Genetics
Classification: Uncertain significance for Hereditary cancer-predisposing syndrome. Last evaluated: 2025-12-05. Review status: criteria provided, single submitter. Criteria: Ambry Variant Classification Scheme 2023. Collection method: clinical testing. Allele origin: germline.
Comment: The p.S606N variant (also known as c.1817G>A), located in coding exon 13 of the MSH3 gene, results from a G to A substitution at nucleotide position 1817. The serine at codon 606 is replaced by asparagine, an amino acid with highly similar properties. This amino acid position is well conserved in available vertebrate species. In addition, this alteration is predicted to be tolerated by in silico analysis. Based on the available evidence, the clinical significance of this variant remains unclear.

Baylor Genetics
Classification: Uncertain significance for Endometrial carcinoma. Last evaluated: 2024-03-24. Review status: criteria provided, single submitter. Criteria: ACMG Guidelines, 2015. Collection method: clinical testing. Allele origin: unknown.

GeneDx
Classification: Uncertain significance. Last evaluated: 2022-03-30. Review status: criteria provided, single submitter. Criteria: GeneDx Variant Classification Process June 2021. Collection method: clinical testing. Allele origin: germline. Affected: yes.
Comment: In silico analysis supports that this missense variant does not alter protein structure/function; Has not been previously published as pathogenic or benign to our knowledge; Variants in candidate genes are classified as variants of uncertain significance in accordance with ACMG guidelines (Richards 2015)

Sema4
Classification: Uncertain significance for Hereditary cancer-predisposing syndrome. Last evaluated: 2021-11-29. Review status: criteria provided, single submitter. Criteria: Sema4 Curation Guidelines. Collection method: curation. Allele origin: germline.
Comment: The MSH3 c.1817G>A (p.S606N) variant has not been reported in the literature to our knowledge. It was observed in 6/24960 chromosomes of the African/African American (AFR) subpopulation in the large and broad cohorts of the Genome Aggregation Database (PMID: 32461654). This variant has been reported in ClinVar (Variation ID 653988). Functional studies have not been performed, and in silico predictions of the variant's effect on protein function are inconclusive. The evidence is insufficient to meet ACMG/AMP criteria for classifying the variant as benign or pathogenic. Thus, the clinical significance of this variant is currently uncertain.

PreventionGenetics, part of Exact Sciences
Classification: Uncertain significance for MSH3-related condition. Last evaluated: 2024-08-14. Review status: no assertion criteria provided. Collection method: clinical testing. Allele origin: germline. Not counted in ClinVar's aggregate classification.
Comment: The MSH3 c.1817G>A variant is predicted to result in the amino acid substitution p.Ser606Asn. To our knowledge, this variant has not been reported in the literature. This variant is reported in 0.024% of alleles in individuals of African descent in gnomAD. This variant is interpreted as uncertain significance in ClinVar. At this time, the clinical significance of this variant is uncertain due to the absence of conclusive functional and genetic evidence.